The following is an entry in ClinVar:

ClinVar aggregate classification (germline): Uncertain significance. Review status: criteria provided, multiple submitters, no conflicts (2 of 4 stars). 2 submissions from 2 submitters: Uncertain significance (2). Last evaluated 2024-03-07.

Allele frequency attached by ClinVar (database versions not stated): ExAC 0.00002; gnomAD 0.00003; ESP Exome Variant Server 0.00015.

Submissions (2):

Labcorp Genetics (formerly Invitae), Labcorp
Classification: Uncertain significance. Last evaluated: 2024-03-07. Review status: criteria provided, single submitter. Criteria: Invitae Variant Classification Sherloc (09022015). Collection method: clinical testing. Allele origin: germline.
Comment: This sequence change replaces glycine, which is neutral and non-polar, with arginine, which is basic and polar, at codon 266 of the DSCAML1 protein (p.Gly266Arg). This variant is present in population databases (rs147588380, gnomAD 0.003%). This variant has not been reported in the literature in individuals affected with DSCAML1-related conditions. ClinVar contains an entry for this variant (Variation ID: 2474515). An algorithm developed to predict the effect of missense changes on protein structure and function (PolyPhen-2) suggests that this variant is likely to be disruptive. In summary, the available evidence is currently insufficient to determine the role of this variant in disease. Therefore, it has been classified as a Variant of Uncertain Significance.

Ambry Genetics
Classification: Uncertain significance. Last evaluated: 2023-01-09. Review status: criteria provided, single submitter. Criteria: Ambry Variant Classification Scheme 2023. Collection method: clinical testing. Allele origin: germline.

NM_020693.4(DSCAML1):c.616G>A (p.Gly206Arg)

Gene: DSCAML1 (DS cell adhesion molecule like 1; minus strand). Cytogenetic location: 11q23.3.
Variant type: single nucleotide variant.
Coding change: c.616G>A on transcript NM_020693.4 (MANE Select); coding-DNA position 616, G replaced by A.
Protein change: p.Gly206Arg; replaces glycine 206 with arginine.
Molecular consequence: missense variant.
Genome position (GRCh38, 1-based): chr11:117,532,418, C>T on the plus strand (G>A on the coding strand, the complement: DSCAML1 is on the minus strand). VCF-style: chr11-117532418-C-T. GRCh37 (hg19) VCF-style: chr11-117403133-C-T.
Other names: c.616G>A, p.Gly206Arg (NM_001367904.1); c.208G>A, p.Gly70Arg (NM_001367905.1); short protein forms G70R, G206R.
Identifiers: ClinVar variation 2474515 (VCV002474515.4), dbSNP rs147588380, ClinGen allele CA6297505.